The following is an entry in ClinVar:

NM_003072.5(SMARCA4):c.356-4G>A

Gene: SMARCA4 (SWI/SNF related BAF chromatin remodeling complex subunit ATPase 4; plus strand). Cytogenetic location: 19p13.2.
Variant type: single nucleotide variant.
Coding change: c.356-4G>A on transcript NM_003072.5 (MANE Select); 4 bases into the intron before coding-DNA position 356, G replaced by A.
Molecular consequence: intron variant.
Genome position (GRCh38, 1-based): chr19:10,986,185, G>A. VCF-style: chr19-10986185-G-A. GRCh37 (hg19) VCF-style: chr19-11096861-G-A.
Other names: c.356-4G>A (NM_001128844.3, NM_001128849.3, NM_001128847.4 and 4 more transcripts).
Identifiers: ClinVar variation 697571 (VCV000697571.17), dbSNP rs765828645, ClinGen allele CA9203490.
Genomic context (GRCh38, chr19:10,986,185, plus strand): 5'-AAGAGGCTGTAAAAATCACAGACATATGCTGCCGAGTGACCAGTGGGCTGACCTTTCTCT[G>A]CAGGTTACCCCTCGCCCCTGGGTGGCTCTGAGCATGCCTCTAGTCCAGTTCCAGCCAGTG-3'

ClinVar aggregate classification (germline): Benign/Likely benign. Review status: criteria provided, multiple submitters, no conflicts (2 of 4 stars). 4 submissions from 4 submitters: Benign (1); Likely benign (3). Last evaluated 2026-07-08.

Conditions:
Hereditary cancer-predisposing syndrome. Also called: Hereditary neoplastic syndrome; Neoplastic Syndromes, Hereditary; Tumor predisposition; Hereditary Cancer Syndrome. Identifiers: Orphanet 140162, MedGen C0027672, MeSH D009386, MONDO:0015356.
Rhabdoid tumor predisposition syndrome 2 (RTPS2). Identifiers: Orphanet 231108, Orphanet 69077, MedGen C2750074, MONDO:0013224, OMIM 613325.

Allele frequency attached by ClinVar (database versions not stated): ExAC 0.00002; TOPMed 0.00001; gnomAD exomes 0.00001; gnomAD 0.00001.
gnomAD v4.1: 11 of 1,612,772 alleles (0.00068%); highest among the groups gnomAD compares: Admixed American, 0.0033%; no homozygotes.

Submissions (4):

Myriad Genetics, Inc.
Classification: Benign for Rhabdoid tumor predisposition syndrome 2. Last evaluated: 2026-07-08. Review status: criteria provided, single submitter. Criteria: Myriad Autosomal Dominant, Autosomal Recessive and X-Linked Classification Criteria (2023). Collection method: clinical testing. Allele origin: unknown.
Comment: This variant is considered benign. This variant is intronic and is not expected to impact mRNA splicing. This variant has been observed at a population frequency that is significantly greater than expected given the associated disease prevalence and penetrance.

Labcorp Genetics (formerly Invitae), Labcorp
Classification: Likely benign for Rhabdoid tumor predisposition syndrome 2. Last evaluated: 2025-09-14. Review status: criteria provided, single submitter. Criteria: Invitae Variant Classification Sherloc (09022015). Collection method: clinical testing. Allele origin: germline.

Sema4
Classification: Likely benign for Hereditary cancer-predisposing syndrome. Last evaluated: 2020-11-30. Review status: criteria provided, single submitter. Criteria: Sema4 Curation Guidelines. Collection method: curation. Allele origin: germline.

Ambry Genetics
Classification: Likely benign for Hereditary cancer-predisposing syndrome. Last evaluated: 2020-01-27. Review status: criteria provided, single submitter. Criteria: Ambry Variant Classification Scheme 2023. Collection method: clinical testing. Allele origin: germline.